The following is an entry in ClinVar:

NM_003242.6(TGFBR2):c.-337T>A

Gene: TGFBR2 (transforming growth factor beta receptor 2; plus strand). Cytogenetic location: 3p24.1.
Variant type: single nucleotide variant.
Coding change: c.-337T>A on transcript NM_003242.6 (MANE Select); 337 bases upstream of the start codon, T replaced by A.
Molecular consequence: genic upstream transcript variant. On other transcripts: 5 prime UTR variant (2).
Genome position (GRCh38, 1-based): chr3:30,606,547, T>A. VCF-style: chr3-30606547-T-A. GRCh37 (hg19) VCF-style: chr3-30648039-T-A.
Other names: c.-337T>A (NM_001024847.2); c.-58T>A (NM_001407129.1, NM_001407132.1).
Identifiers: ClinVar variation 1001410 (VCV001001410.5), dbSNP rs1038796042, ClinGen allele CA72289906.

ClinVar aggregate classification (germline): Uncertain significance/Uncertain risk allele. Review status: criteria provided, multiple submitters, no conflicts (2 of 4 stars). 3 submissions from 3 submitters: Uncertain significance (2); Uncertain risk allele (1). Last evaluated 2021-10-04.

Conditions:
Familial thoracic aortic aneurysm and aortic dissection (TAAD). Also called: Thoracic aortic aneurysms and dissections. Identifiers: Orphanet 91387, MedGen C4707243, MONDO:0019625.
Loeys-Dietz syndrome 2 (LDS2). Also called: AORTIC ANEURYSM, FAMILIAL THORACIC 3; MARFAN SYNDROME, TYPE II; Marfan syndrome, type 2 (formerly); TGFBR2-Related Loeys-Dietz Syndrome; Marfan Syndrome type 2; Marfan like connective tissue disorder. Identifiers: Orphanet 284973, Orphanet 558, MedGen C2674574, MONDO:0012427, OMIM 610168.
Colorectal cancer, hereditary nonpolyposis, type 6. Also called: Colon cancer, hereditary nonpolyposis, type 6; Colon cancer, hereditary nonpolyposis, type 6, somatic. Identifiers: Orphanet 144, MedGen C1860896, MONDO:0013695, OMIM 614331.
Malignant tumor of esophagus. Also called: Esophageal cancer, somatic; Esophageal cancer. Identifiers: Orphanet 99977, MedGen C0546837, MONDO:0007576, OMIM 133239.
Diabetic retinopathy. Identifiers: MedGen C0011884, MONDO:0005266.

Allele frequency attached by ClinVar (database versions not stated): TOPMed 0.00006; gnomAD exomes 0.00002; gnomAD 0.00005 and 0.00006.
gnomAD v4.1: 11 of 284,278 alleles (0.0039%); highest among the groups gnomAD compares: Non-Finnish European, 0.0053%; 1 homozygote.

Submissions (3):

Fulgent Genetics
Classification: Uncertain significance for Malignant tumor of esophagus; Loeys-Dietz syndrome 2; Colorectal cancer, hereditary nonpolyposis, type 6. Last evaluated: 2021-10-04. Review status: criteria provided, single submitter. Criteria: ACMG Guidelines, 2015. Collection method: clinical testing. Allele origin: unknown.

Labcorp Genetics (formerly Invitae), Labcorp
Classification: Uncertain significance for Familial thoracic aortic aneurysm and aortic dissection. Last evaluated: 2021-07-14. Review status: criteria provided, single submitter. Criteria: Invitae Variant Classification Sherloc (09022015). Collection method: clinical testing. Allele origin: germline.
Comment: This variant occurs in a non-coding region of the TGFBR2 gene. It does not change the encoded amino acid sequence of the TGFBR2 protein. The frequency data for this variant in the population databases is considered unreliable, as metrics indicate insufficient coverage at this position in the ExAC database. This variant has been observed in individual(s) with clinical features of Marfan syndrome (PMID: 16799921). Algorithms developed to predict the effect of variants on protein structure and function are not available or were not evaluated for this variant. Experimental studies have shown that this variant affects TGFBR2 protein function (PMID: 16799921). In summary, the available evidence is currently insufficient to determine the role of this variant in disease. Therefore, it has been classified as a Variant of Uncertain Significance.

Clinical Genomics, Uppaluri K&H Personalized Medicine Clinic
Classification: Uncertain risk allele for Diabetic retinopathy. Review status: criteria provided, single submitter. Criteria: K And H Uppaluri Personalized Medicine Clinic Variant Classification And Assertion Criteria Updated V 2. Collection method: research. Allele origin: unknown.
Comment: Potent mutations in TGFBR2 gene encodes the transforming growth factor that have been associated with angiogenesis and diabetic retinopathy. More clinical studies are needed for stronger association. However, more evidence is required to confer the association of this particular variant rs1038796042 with diabetic retinopathy.

Literature cited by the submitters: PubMed 16799921 (cited by Labcorp Genetics (formerly Invitae), Labcorp); PubMed 30222965 (cited by Clinical Genomics, Uppaluri K&H Personalized Medicine Clinic); PubMed 28162229 (cited by Clinical Genomics, Uppaluri K&H Personalized Medicine Clinic); PubMed 34572573 (cited by Clinical Genomics, Uppaluri K&H Personalized Medicine Clinic).